The following is an entry in ClinVar:

NM_024824.5(ZC3H14):c.744T>C (p.Asp248=)

Gene: ZC3H14 (zinc finger CCCH-type containing 14; plus strand). Cytogenetic location: 14q31.3.
Variant type: single nucleotide variant.
Coding change: c.744T>C on transcript NM_024824.5 (MANE Select); coding-DNA position 744, T replaced by C.
Protein change: p.Asp248=; no amino-acid change (aspartic acid 248 retained).
Molecular consequence: synonymous variant. On other transcripts: non-coding transcript variant (1).
Genome position (GRCh38, 1-based): chr14:88,572,890, T>C. VCF-style: chr14-88572890-T-C. GRCh37 (hg19) VCF-style: chr14-89039234-T-C.
Other names: c.744T>C, p.Asp248= (NM_001160103.2, NM_001160104.2, NM_001326295.2 and 9 more transcripts); c.642T>C, p.Asp214= (NM_001326297.2, NM_001326301.2, NM_001326303.2 and 3 more transcripts); c.279T>C, p.Asp93= (NM_001326300.2, NM_001326302.2, NM_001326304.2 and 5 more transcripts).
Identifiers: ClinVar variation 437308 (VCV000437308.45), dbSNP rs144601125, ClinGen allele CA7300289.
Genomic context (GRCh38, chr14:88,572,890, plus strand): 5'-TTTAAACAGGTTGCAATTTCAACAGCAGCAGAATAGTATTCATGCTGCCAAGCAGCTTGA[T>C]ATGCAGAGTAGTTGGGTATATGAAACAGGACGTTTGTGTGAACCAGAGGTGCTTAACAGC-3'
Protein context (NP_079100.2, residues 238-258): QNSIHAAKQL[Asp248=]MQSSWVYETG

ClinVar aggregate classification (germline): Benign/Likely benign. Review status: criteria provided, multiple submitters, no conflicts (2 of 4 stars). 5 submissions from 5 submitters: Benign (1); Likely benign (4). Last evaluated 2024-11-17.

Allele frequency attached by ClinVar (database versions not stated): 1000 Genomes Project 30x 0.00062; 1000 Genomes Project 0.00080; ESP Exome Variant Server 0.00100; TOPMed 0.00122; gnomAD 0.00131 and 0.00133; gnomAD exomes 0.00145 and 0.00244; ExAC 0.00151.
gnomAD v4.1: 3,714 of 1,614,192 alleles (0.23%); highest among the groups gnomAD compares: Non-Finnish European, 0.3%; 9 homozygotes.

Submissions (5):

Blueprint Genetics
Classification: Likely benign. Last evaluated: 2024-11-17. Review status: criteria provided, single submitter. Criteria: ACMG Guidelines, 2015. Collection method: clinical testing. Allele origin: germline.

CeGaT Center for Human Genetics Tuebingen
Classification: Likely benign. Last evaluated: 2024-09-01. Review status: criteria provided, single submitter. Criteria: CeGaT Center For Human Genetics Tuebingen Variant Classification Criteria Version 2. Collection method: clinical testing. Allele origin: germline. Affected: yes. Observed: 8 variant alleles.
Comment: ZC3H14: BP4, BP7

Labcorp Genetics (formerly Invitae), Labcorp
Classification: Benign. Last evaluated: 2019-12-31. Review status: criteria provided, single submitter. Criteria: Invitae Variant Classification Sherloc (09022015). Collection method: clinical testing. Allele origin: germline.

Genetic Services Laboratory, University of Chicago
Classification: Likely benign. Last evaluated: 2016-07-21. Review status: criteria provided, single submitter. Criteria: ACMG Guidelines, 2015. Collection method: clinical testing. Allele origin: germline. Affected: no.

Breakthrough Genomics
Classification: Likely benign. Review status: criteria provided, single submitter. Criteria: ACMG Guidelines, 2015. Collection method: not provided. Allele origin: germline. Inheritance: Autosomal recessive inheritance. Affected: yes.